The following is an entry in ClinVar:

NM_000891.3(KCNJ2):c.70A>G (p.Met24Val)

Gene: KCNJ2 (potassium inwardly rectifying channel subfamily J member 2; plus strand). Cytogenetic location: 17q24.3.
Variant type: single nucleotide variant.
Coding change: c.70A>G on transcript NM_000891.3 (MANE Select); coding-DNA position 70, A replaced by G.
Protein change: p.Met24Val; replaces methionine 24 with valine.
Molecular consequence: missense variant.
Genome position (GRCh38, 1-based): chr17:70,175,109, A>G. VCF-style: chr17-70175109-A-G. GRCh37 (hg19) VCF-style: chr17-68171250-A-G.
Other names: short protein forms M24V.
Identifiers: ClinVar variation 2149616 (VCV002149616.5), dbSNP rs1441314140, ClinGen allele CA400859793.

ClinVar aggregate classification (germline): Uncertain significance. Review status: criteria provided, multiple submitters, no conflicts (2 of 4 stars). 2 submissions from 2 submitters: Uncertain significance (2). Last evaluated 2026-05-14.

Conditions:
Cardiovascular phenotype. Identifiers: MedGen CN230736.
Andersen Tawil syndrome (LQT7). Also called: ANDERSEN CARDIODYSRHYTHMIC PERIODIC PARALYSIS; Potassium-sensitive periodic paralysis, ventricular ectopy, and dysmorphic features; LONG QT SYNDROME 7; PERIODIC PARALYSIS, POTASSIUM-SENSITIVE CARDIODYSRHYTHMIC TYPE; Andersen Syndrome. Identifiers: Orphanet 37553, MedGen C1563715, MONDO:0008222, OMIM 170390.
Short QT syndrome type 3. Identifiers: Orphanet 51083, MedGen C1865018, MONDO:0012314, OMIM 609622.

Allele frequency attached by ClinVar (database versions not stated): gnomAD exomes below 0.00001; TOPMed 0.00001.

Submissions (2):

Ambry Genetics
Classification: Uncertain significance for Cardiovascular phenotype. Last evaluated: 2026-05-14. Review status: criteria provided, single submitter. Criteria: Ambry Variant Classification Scheme 2023. Collection method: clinical testing. Allele origin: germline.

Labcorp Genetics (formerly Invitae), Labcorp
Classification: Uncertain significance for Short QT syndrome type 3; Andersen Tawil syndrome. Last evaluated: 2023-03-02. Review status: criteria provided, single submitter. Criteria: Invitae Variant Classification Sherloc (09022015). Collection method: clinical testing. Allele origin: germline.
Comment: An algorithm developed to predict the effect of missense changes on protein structure and function (PolyPhen-2) suggests that this variant is likely to be tolerated. In summary, the available evidence is currently insufficient to determine the role of this variant in disease. Therefore, it has been classified as a Variant of Uncertain Significance. ClinVar contains an entry for this variant (Variation ID: 2149616). This variant has not been reported in the literature in individuals affected with KCNJ2-related conditions. This variant is not present in population databases (gnomAD no frequency). This sequence change replaces methionine, which is neutral and non-polar, with valine, which is neutral and non-polar, at codon 24 of the KCNJ2 protein (p.Met24Val).